The following is an entry in ClinVar:

NM_206933.4(USH2A):c.6153T>A (p.Thr2051=)

Gene: USH2A (usherin; minus strand). Cytogenetic location: 1q41.
Variant type: single nucleotide variant.
Coding change: c.6153T>A on transcript NM_206933.4 (MANE Select); coding-DNA position 6153, T replaced by A.
Protein change: p.Thr2051=; no amino-acid change (threonine 2051 retained).
Molecular consequence: synonymous variant.
Genome position (GRCh38, 1-based): chr1:216,048,544, A>T on the plus strand (T>A on the coding strand, the complement: USH2A is on the minus strand). VCF-style: chr1-216048544-A-T. GRCh37 (hg19) VCF-style: chr1-216221886-A-T.
Other names: c.6153T>A (NM_206933.2).
Identifiers: ClinVar variation 1090454 (VCV001090454.11), dbSNP rs754250829, ClinGen allele CA37460269.

ClinVar aggregate classification (germline): Conflicting classifications of pathogenicity. Review status: criteria provided, conflicting classifications (1 of 4 stars). 4 submissions from 4 submitters: Uncertain significance (1); Likely benign (3). Last evaluated 2023-12-20.

Allele frequency attached by ClinVar (database versions not stated): gnomAD 0.00001.
gnomAD v4.1: 22 of 1,613,772 alleles (0.0014%); highest among the groups gnomAD compares: Middle Eastern, 0.066%; no homozygotes.

Submissions (4):

Labcorp Genetics (formerly Invitae), Labcorp
Classification: Likely benign. Last evaluated: 2023-12-20. Review status: criteria provided, single submitter. Criteria: Invitae Variant Classification Sherloc (09022015). Collection method: clinical testing. Allele origin: germline.

Blueprint Genetics
Classification: Likely benign. Last evaluated: 2023-05-26. Review status: criteria provided, single submitter. Criteria: ACMG Guidelines, 2015. Collection method: clinical testing. Allele origin: germline.

GeneDx
Classification: Uncertain significance. Last evaluated: 2023-03-02. Review status: criteria provided, single submitter. Criteria: GeneDx Variant Classification Process June 2021. Collection method: clinical testing. Allele origin: germline. Affected: yes.
Comment: Not observed at significant frequency in large population cohorts (gnomAD); In silico analysis supports that this variant does not alter splicing; Has not been previously published as pathogenic or benign to our knowledge

Breakthrough Genomics
Classification: Likely benign. Review status: criteria provided, single submitter. Criteria: ACMG Guidelines, 2015. Collection method: not provided. Allele origin: germline. Inheritance: Autosomal recessive inheritance. Affected: yes.